The following is an entry in ClinVar:

NM_001354930.2(RIPK1):c.1528T>C (p.Tyr510His)

Gene: RIPK1 (receptor interacting serine/threonine kinase 1; plus strand). Cytogenetic location: 6p25.2.
Variant type: single nucleotide variant.
Coding change: c.1528T>C on transcript NM_001354930.2 (MANE Select); coding-DNA position 1528, T replaced by C.
Protein change: p.Tyr510His; replaces tyrosine 510 with histidine.
Molecular consequence: missense variant.
Genome position (GRCh38, 1-based): chr6:3,106,003, T>C. VCF-style: chr6-3106003-T-C. GRCh37 (hg19) VCF-style: chr6-3106237-T-C.
Other names: c.1039T>C, p.Tyr347His (NM_001317061.3, NM_001354932.2, NM_001354933.2 and 1 more transcripts); c.1390T>C, p.Tyr464His (NM_001354931.2); c.1528T>C, p.Tyr510His (NM_003804.6); c.1528T>C (NM_003804.4); short protein forms Y347H, Y510H, Y464H.
Identifiers: ClinVar variation 2048481 (VCV002048481.6), dbSNP rs114570616, ClinGen allele CA3618437.

ClinVar aggregate classification (germline): Uncertain significance. Review status: criteria provided, single submitter (1 of 4 stars). 2 submissions from 2 submitters: Uncertain significance (1). 1 of the submissions does not count toward it. Last evaluated 2025-12-13.

Conditions:
RIPK1-related disorder. Also called: RIPK1-related condition.

Allele frequency attached by ClinVar (database versions not stated): gnomAD exomes 0.00001; ExAC 0.00004; gnomAD 0.00009; TOPMed 0.00009; ESP Exome Variant Server 0.00015; 1000 Genomes Project 30x 0.00016; 1000 Genomes Project 0.00020.
gnomAD v4.1: 30 of 1,613,396 alleles (0.0019%); highest among the groups gnomAD compares: African/African-American, 0.037%; no homozygotes.

Submissions (2):

Labcorp Genetics (formerly Invitae), Labcorp
Classification: Uncertain significance. Last evaluated: 2025-12-13. Review status: criteria provided, single submitter. Criteria: Invitae Variant Classification Sherloc (09022015). Collection method: clinical testing. Allele origin: germline.
Comment: This sequence change replaces tyrosine, which is neutral and polar, with histidine, which is basic and polar, at codon 510 of the RIPK1 protein (p.Tyr510His). This variant is present in population databases (rs114570616, gnomAD 0.05%). This variant has not been reported in the literature in individuals affected with RIPK1-related conditions. ClinVar contains an entry for this variant (Variation ID: 2048481). An algorithm developed to predict the effect of missense changes on protein structure and function (PolyPhen-2) suggests that this variant is likely to be tolerated. In summary, the available evidence is currently insufficient to determine the role of this variant in disease. Therefore, it has been classified as a Variant of Uncertain Significance.

PreventionGenetics, part of Exact Sciences
Classification: Uncertain significance for RIPK1-related condition. Last evaluated: 2023-12-04. Review status: no assertion criteria provided. Collection method: clinical testing. Allele origin: germline. Not counted in ClinVar's aggregate classification.
Comment: The RIPK1 c.1528T>C variant is predicted to result in the amino acid substitution p.Tyr510His. To our knowledge, this variant has not been reported in the literature. This variant is reported in 0.052% of alleles in individuals of African descent in gnomAD. At this time, the clinical significance of this variant is uncertain due to the absence of conclusive functional and genetic evidence.